The following is an entry in ClinVar:

NM_001267550.2(TTN):c.76846_76847del (p.Asp25616fs)

Genes: TTN-AS1 (TTN antisense RNA 1; plus strand), TTN (titin; minus strand). Cytogenetic location: 2q31.2.
Variant type: Deletion.
Coding change: c.76846_76847del on transcript NM_001267550.2 (MANE Select); coding-DNA positions 76846 to 76847, 2 bases deleted (GA; older notation c.76846_76847delGA).
Protein change: p.Asp25616fs; shifts the reading frame from aspartic acid 25616.
Molecular consequence: frameshift variant.
Genome position (GRCh38, 1-based): chr2:178,569,285-178,569,286, TC deleted on the plus strand (GA on the coding strand, the reverse complement: TTN is on the minus strand); deleting any 2 consecutive bases within chr2:178,569,285-178,569,287 gives the same sequence; the c. name uses the placement nearest the transcript's 3' end. VCF-style (leftmost placement, unchanged base first): chr2-178569284-GTC-G. GRCh37 (hg19) VCF-style: chr2-179434011-GTC-G.
Other names: c.71923_71924del, p.Asp23975fs (NM_001256850.1); c.49651_49652del, p.Asp16551fs (NM_003319.4); c.69142_69143del, p.Asp23048fs (NM_133378.4); c.50026_50027del, p.Asp16676fs (NM_133432.3); c.50227_50228del, p.Asp16743fs (NM_133437.4); c.76846_76847delGA (NM_001267550.2); short protein forms D16551fs, D16676fs, D16743fs, D25616fs, D23048fs, D23975fs.
Identifiers: ClinVar variation 569187 (VCV000569187.10), dbSNP rs1559378965, ClinGen allele CA891842712.

ClinVar aggregate classification (germline): Likely pathogenic (1 of 4 stars; one submission).

Conditions:
Dilated cardiomyopathy 1G (CMD1G). Identifiers: Orphanet 154, MedGen C1858763, MONDO:0011400, OMIM 604145.
Autosomal recessive limb-girdle muscular dystrophy type 2J (LGMDR10). Also called: Limb-girdle muscular dystrophy, type 2J; MUSCULAR DYSTROPHY, LIMB-GIRDLE, AUTOSOMAL RECESSIVE 10. Identifiers: Orphanet 140922, MedGen C1837342, MONDO:0012127, OMIM 608807.

Submission:

Labcorp Genetics (formerly Invitae), Labcorp
Classification: Likely pathogenic for Dilated cardiomyopathy 1G; Autosomal recessive limb-girdle muscular dystrophy type 2J. Last evaluated: 2018-10-22. Review status: criteria provided, single submitter. Criteria: Invitae Variant Classification Sherloc (09022015). Collection method: clinical testing. Allele origin: germline.
Comment: This variant is found in the A-band of this gene. Truncating variants in the A-band of TTN are significantly overrepresented in patients with dilated cardiomyopathy and are considered to be likely pathogenic for the disease (PMID: 25589632). Truncating variants in TTN have also been reported in individuals affected with autosomal recessive centronuclear myopathy (PMID: 23975875). In summary, the currently available evidence indicates that the variant is pathogenic, but additional data are needed to prove that conclusively. Therefore, this variant has been classified as Likely Pathogenic. This sequence change results in a premature translational stop signal in the TTN gene (p.Asp25616Leufs*23). While this is not anticipated to result in nonsense mediated decay, it is expected to create a truncated TTN protein. This variant is not present in population databases (ExAC no frequency). This variant has not been reported in the literature in individuals with TTN-related disease.

Literature cited by the submitters: PubMed 25589632; PubMed 23975875.